The following is an entry in ClinVar:

ClinVar aggregate classification (germline): Pathogenic/Likely pathogenic. Review status: criteria provided, multiple submitters, no conflicts (2 of 4 stars). 2 submissions from 2 submitters: Pathogenic (1); Likely pathogenic (1). Last evaluated 2021-06-30.

Conditions:
Bartter disease type 3. Also called: Bartter syndrome type 3. Identifiers: Orphanet 112, Orphanet 93605, MedGen C1846343, MONDO:0011822, OMIM 607364.
Bartter disease type 4B. Also called: BARTTER SYNDROME, TYPE 4B; Bartter syndrome, type 4b, digenic; BARTTER SYNDROME, TYPE 4B, NEONATAL, WITH SENSORINEURAL DEAFNESS. Identifiers: Orphanet 112, MedGen C4310805, MONDO:0000909, OMIM 613090.

Allele frequency attached by ClinVar (database versions not stated): ExAC 0.00001; gnomAD exomes 0.00001 and 0.00006; TOPMed 0.00003; gnomAD 0.00004 and 0.00005.

Submissions (2):

Fulgent Genetics
Classification: Pathogenic for Bartter disease type 3; Bartter disease type 4B. Last evaluated: 2021-06-30. Review status: criteria provided, single submitter. Criteria: ACMG Guidelines, 2015. Collection method: clinical testing. Allele origin: unknown.
Comment: This variant has been detected in individual(s) who were sent for testing of Renasight - kidney gene panel.

Genetics and Genomic Medicine Centre, NeuroGen Healthcare, NeuroGen Healthcare
Classification: Likely pathogenic for Bartter disease type 3. Last evaluated: 2021-03-16. Review status: criteria provided, single submitter. Criteria: Submitter's publication. Collection method: clinical testing. Allele origin: unknown. Affected: no.

NM_000085.5(CLCNKB):c.274C>T (p.Arg92Trp)

Genes: CLCNKB (chloride voltage-gated channel Kb; plus strand), LOC106501713 (CLCNKB recombination region; plus strand). Cytogenetic location: 1p36.13.
Variant type: single nucleotide variant.
Coding change: c.274C>T on transcript NM_000085.5 (MANE Select); coding-DNA position 274, C replaced by T.
Protein change: p.Arg92Trp; replaces arginine 92 with tryptophan.
Molecular consequence: missense variant.
Genome position (GRCh38, 1-based): chr1:16,046,579, C>T. VCF-style: chr1-16046579-C-T. GRCh37 (hg19) VCF-style: chr1-16373074-C-T.
Other names: short protein forms R92W.
Identifiers: ClinVar variation 1179088 (VCV001179088.4), dbSNP rs777305169, ClinGen allele CA623253.